The following is an entry in ClinVar:

ClinVar aggregate classification (germline): Likely benign. Review status: criteria provided, multiple submitters, no conflicts (2 of 4 stars). 3 submissions from 3 submitters: Likely benign (3). Last evaluated 2025-06-06.

Conditions:
Familial sleep-related hypermotor epilepsy. Also called: Autosomal Dominant Sleep-Related Hypermotor (Hyperkinetic) Epilepsy. Identifiers: Orphanet 98784, MedGen C3696898, MONDO:0000030.

Allele frequency attached by ClinVar (database versions not stated): gnomAD exomes 0.00001 and 0.00002; gnomAD 0.00001; TOPMed 0.00001.
gnomAD v4.1: 26 of 1,477,992 alleles (0.0018%); highest among the groups gnomAD compares: Non-Finnish European, 0.0022%; no homozygotes.

Submissions (3):

Women's Health and Genetics/Laboratory Corporation of America, LabCorp
Classification: Likely benign. Last evaluated: 2025-06-06. Review status: criteria provided, single submitter. Criteria: LabCorp Variant Classification Summary - May 2015. Collection method: clinical testing. Allele origin: germline.
Comment: Variant summary: CHRNA4 c.38C>G (p.Pro13Arg) results in a non-conservative amino acid change in the encoded protein sequence. Algorithms developed to predict the effect of missense changes on protein structure and function are either unavailable or do not agree on the potential impact of this missense change. The variant allele was found at a frequency of 1.8e-05 in 1477992 control chromosomes. To our knowledge, no occurrence of c.38C>G in individuals affected with Epilepsy, Nocturnal Frontal Lobe, Type 1 and no experimental evidence demonstrating its impact on protein function have been reported. ClinVar contains an entry for this variant (Variation ID: 205008). Based on the evidence outlined above, the variant was classified as likely benign.

Labcorp Genetics (formerly Invitae), Labcorp
Classification: Likely benign. Last evaluated: 2024-10-23. Review status: criteria provided, single submitter. Criteria: Invitae Variant Classification Sherloc (09022015). Collection method: clinical testing. Allele origin: germline.

GeneDx
Classification: Likely benign. Last evaluated: 2014-03-14. Review status: criteria provided, single submitter. Criteria: GeneDx Variant Classification (06012015). Collection method: clinical testing. Allele origin: germline. Affected: yes.
Comment: This variant is considered likely benign or benign based on one or more of the following criteria: it is a conservative change, it occurs at a poorly conserved position in the protein, it is predicted to be benign by multiple in silico algorithms, and/or has population frequency not consistent with disease.

NM_000744.7(CHRNA4):c.38C>G (p.Pro13Arg)

Genes: CHRNA4 (cholinergic receptor nicotinic alpha 4 subunit; minus strand), LOC100130587 (uncharacterized LOC100130587; plus strand). Cytogenetic location: 20q13.33.
Variant type: single nucleotide variant.
Coding change: c.38C>G on transcript NM_000744.7 (MANE Select); coding-DNA position 38, C replaced by G.
Protein change: p.Pro13Arg; replaces proline 13 with arginine.
Molecular consequence: missense variant. On other transcripts: non-coding transcript variant (1), intron variant (1).
Genome position (GRCh38, 1-based): chr20:63,361,128, G>C on the plus strand (C>G on the coding strand, the complement: CHRNA4 is on the minus strand). VCF-style: chr20-63361128-G-C. GRCh37 (hg19) VCF-style: chr20-61992480-G-C.
Other names: p.P13R:CCG>CGG; c.-471+49C>G (NM_001256573.2); short protein forms P13R.
Identifiers: ClinVar variation 205008 (VCV000205008.11), dbSNP rs796052313, ClinGen allele CA313534.